The following is an entry in ClinVar:

ClinVar aggregate classification (germline): Conflicting classifications of pathogenicity. Review status: criteria provided, conflicting classifications (1 of 4 stars). 6 submissions from 6 submitters: Uncertain significance (2); Likely benign (3). 1 of the submissions does not count toward it. Last evaluated 2026-05-26.

Conditions:
RPGRIP1L-related disorder. Also called: RPGRIP1L-related condition; RPGRIP1L-related disorders. Identifiers: MedGen CN239416.
Inborn genetic diseases. Identifiers: MedGen C0950123, MeSH D030342.
Joubert syndrome. Also called: Familial aplasia of the vermis; JOUBERT-BOLTSHAUSER SYNDROME. Identifiers: Orphanet 475, MedGen C5979921, MONDO:0018772.
Meckel-Gruber syndrome. Also called: GRUBER SYNDROME; Dysencephalia splachnocystica; DYSENCEPHALIA SPLANCHNOCYSTICA. Identifiers: Orphanet 564, MedGen C0265215, MONDO:0018921.

Allele frequency attached by ClinVar (database versions not stated): gnomAD exomes 0.00004 and 0.00009; ExAC 0.00012; 1000 Genomes Project 30x 0.00016; 1000 Genomes Project 0.00020; ESP Exome Variant Server 0.00031; gnomAD 0.00034 and 0.00038; TOPMed 0.00056.
gnomAD v4.1: 124 of 1,612,298 alleles (0.0077%); highest among the groups gnomAD compares: African/African-American, 0.13%; no homozygotes.

Submissions (6):

PreventionGenetics, part of Exact Sciences
Classification: Uncertain significance for RPGRIP1L-related condition. Last evaluated: 2026-05-26. Review status: criteria provided, single submitter. Criteria: ACMG Guidelines, 2015. Collection method: clinical testing. Allele origin: germline.
Comment: The RPGRIP1L c.74G>T variant is predicted to result in the amino acid substitution p.Gly25Val. To our knowledge, this variant has not been reported in the literature. It is reported in 0.13% of alleles in individuals of African descent in gnomAD, which may be too frequent to be a primary cause of disease. Although we suspect this variant may be benign, at this time its clinical significance is uncertain due to the absence of conclusive functional and genetic evidence.

Labcorp Genetics (formerly Invitae), Labcorp
Classification: Likely benign for Joubert syndrome; Meckel-Gruber syndrome. Last evaluated: 2026-01-28. Review status: criteria provided, single submitter. Criteria: Invitae Variant Classification Sherloc (09022015). Collection method: clinical testing. Allele origin: germline.

Blueprint Genetics
Classification: Likely benign. Last evaluated: 2024-11-05. Review status: criteria provided, single submitter. Criteria: ACMG Guidelines, 2015. Collection method: clinical testing. Allele origin: germline.

GeneDx
Classification: Uncertain significance. Last evaluated: 2024-07-01. Review status: criteria provided, single submitter. Criteria: GeneDx Variant Classification Process June 2021. Collection method: clinical testing. Allele origin: germline.
Comment: In silico analysis supports that this missense variant does not alter protein structure/function; Has not been previously published as pathogenic or benign to our knowledge

Ambry Genetics
Classification: Likely benign for Inborn genetic diseases. Last evaluated: 2022-01-27. Review status: criteria provided, single submitter. Criteria: Ambry Variant Classification Scheme 2023. Collection method: clinical testing. Allele origin: germline.

Natera, Inc.
Classification: Uncertain significance for Joubert syndrome. Last evaluated: 2020-10-30. Review status: no assertion criteria provided. Collection method: clinical testing. Allele origin: germline. Not counted in ClinVar's aggregate classification.

NM_015272.5(RPGRIP1L):c.74G>T (p.Gly25Val)

Gene: RPGRIP1L (RPGRIP1 like; minus strand). Cytogenetic location: 16q12.2.
Variant type: single nucleotide variant.
Coding change: c.74G>T on transcript NM_015272.5 (MANE Select); coding-DNA position 74, G replaced by T.
Protein change: p.Gly25Val; replaces glycine 25 with valine.
Molecular consequence: missense variant.
Genome position (GRCh38, 1-based): chr16:53,700,650, C>A on the plus strand (G>T on the coding strand, the complement: RPGRIP1L is on the minus strand). VCF-style: chr16-53700650-C-A. GRCh37 (hg19) VCF-style: chr16-53734562-C-A.
Other names: c.74G>T, p.Gly25Val (NM_001127897.4, NM_001308334.3, NM_001328422.2 and 2 more transcripts); c.74G>T (NM_015272.4); short protein forms G25V.
Identifiers: ClinVar variation 965650 (VCV000965650.14), dbSNP rs143515432, ClinGen allele CA8058230.